The following is an entry in ClinVar:

NM_001430.5(EPAS1):c.2515C>G (p.Leu839Val)

Gene: EPAS1 (endothelial PAS domain protein 1; plus strand). Cytogenetic location: 2p21.
Variant type: single nucleotide variant.
Coding change: c.2515C>G on transcript NM_001430.5 (MANE Select); coding-DNA position 2515, C replaced by G.
Protein change: p.Leu839Val; replaces leucine 839 with valine.
Molecular consequence: missense variant.
Genome position (GRCh38, 1-based): chr2:46,384,562, C>G. VCF-style: chr2-46384562-C-G. GRCh37 (hg19) VCF-style: chr2-46611701-C-G.
Other names: short protein forms L839V.
Identifiers: ClinVar variation 3508965 (VCV003508965.1).
Genomic context (GRCh38, chr2:46,384,562, plus strand): 5'-CTTTCAGGCATGGCAAGCCGGCTGCTCGGGCCCTCATTTGAGTCCTACCTGCTGCCCGAA[C>G]TGACCAGATATGACTGTGAGGTGAACGTGCCCGTGCTGGGAAGCTCCACGCTCCTGCAAG-3'
Protein context (NP_001421.2, residues 829-849): PSFESYLLPE[Leu839Val]TRYDCEVNVP

ClinVar aggregate classification (germline): Uncertain significance (1 of 4 stars; one submission).

Conditions:
Inborn genetic diseases. Identifiers: MedGen C0950123, MeSH D030342.

Submission:

Ambry Genetics
Classification: Uncertain significance for Inborn genetic diseases. Last evaluated: 2024-08-08. Review status: criteria provided, single submitter. Criteria: Ambry Variant Classification Scheme 2023. Collection method: clinical testing. Allele origin: germline.
Comment: The p.L839V variant (also known as c.2515C>G), located in coding exon 16 of the EPAS1 gene, results from a C to G substitution at nucleotide position 2515. The leucine at codon 839 is replaced by valine, an amino acid with highly similar properties. This amino acid position is conserved. In addition, the in silico prediction for this alteration is inconclusive. Based on the available evidence, the clinical significance of this variant remains unclear.